The following is an entry in ClinVar:

ClinVar aggregate classification (germline): Uncertain significance (1 of 4 stars; one submission).

Conditions:
Left ventricular noncompaction 8 (LVNC8). Identifiers: Orphanet 154, Orphanet 54260, MedGen C3809288, MONDO:0014152, OMIM 615373.

gnomAD v4.1: 3 of 1,611,210 alleles (0.00019%); highest among the groups gnomAD compares: African/African-American, 0.0027%; no homozygotes.

Submission:

Labcorp Genetics (formerly Invitae), Labcorp
Classification: Uncertain significance for Left ventricular noncompaction 8. Last evaluated: 2024-07-08. Review status: criteria provided, single submitter. Criteria: Invitae Variant Classification Sherloc (09022015). Collection method: clinical testing. Allele origin: germline.
Comment: This sequence change replaces phenylalanine, which is neutral and non-polar, with leucine, which is neutral and non-polar, at codon 507 of the PRDM16 protein (p.Phe507Leu). This variant is present in population databases (no rsID available, gnomAD 0.01%). This variant has not been reported in the literature in individuals affected with PRDM16-related conditions. Algorithms developed to predict the effect of missense changes on protein structure and function output the following: SIFT: "Not Available"; PolyPhen-2: "Benign"; Align-GVGD: "Not Available". The leucine amino acid residue is found in multiple mammalian species, which suggests that this missense change does not adversely affect protein function. In summary, the available evidence is currently insufficient to determine the role of this variant in disease. Therefore, it has been classified as a Variant of Uncertain Significance.

NM_022114.4(PRDM16):c.1521C>G (p.Phe507Leu)

Gene: PRDM16 (PR/SET domain 16; plus strand). Cytogenetic location: 1p36.32.
Variant type: single nucleotide variant.
Coding change: c.1521C>G on transcript NM_022114.4 (MANE Select); coding-DNA position 1521, C replaced by G.
Protein change: p.Phe507Leu; replaces phenylalanine 507 with leucine.
Molecular consequence: missense variant.
Genome position (GRCh38, 1-based): chr1:3,411,718, C>G. VCF-style: chr1-3411718-C-G. GRCh37 (hg19) VCF-style: chr1-3328282-C-G.
Other names: c.1521C>G, p.Phe507Leu (NM_199454.3); short protein forms F507L.
Identifiers: ClinVar variation 3717687 (VCV003717687.2).